The following is an entry in ClinVar:

ClinVar aggregate classification (germline): Uncertain significance (1 of 4 stars; one submission).

Conditions:
Rubinstein-Taybi syndrome due to EP300 haploinsufficiency. Also called: EP300-Related Rubinstein-Taybi Syndrome; RUBINSTEIN-TAYBI SYNDROME 2. Identifiers: Orphanet 353284, Orphanet 783, MedGen C3150941, MONDO:0013364, OMIM 613684.

Submission:

Labcorp Genetics (formerly Invitae), Labcorp
Classification: Uncertain significance for Rubinstein-Taybi syndrome due to EP300 haploinsufficiency. Last evaluated: 2025-12-15. Review status: criteria provided, single submitter. Criteria: Invitae Variant Classification Sherloc (09022015). Collection method: clinical testing. Allele origin: germline.
Comment: This sequence change is expected to alter the c-terminus of the EP300 protein (p.*2415Thrext*5). This is not anticipated to result in nonsense mediated decay, it is also not expected to disrupt any amino acid(s) of the EP300 protein and extends the protein by 5 additional amino acid residues. This variant is present in population databases (no rsID available, gnomAD 0.0009%). This variant has not been reported in the literature in individuals affected with EP300-related conditions. Experimental studies and prediction algorithms are not available or were not evaluated, and the functional significance of this variant is currently unknown. In summary, the available evidence is currently insufficient to determine the role of this variant in disease. Therefore, it has been classified as a Variant of Uncertain Significance.

NM_001429.4(EP300):c.7241_7242dup (p.Ter2415ThrextTer?)

Gene: EP300 (EP300 lysine acetyltransferase; plus strand). Cytogenetic location: 22q13.2.
Variant type: Microsatellite.
Coding change: c.7241_7242dup on transcript NM_001429.4 (MANE Select); coding-DNA positions 7241 to 7242, 2 bases duplicated (AC; older notation c.7241_7242dupAC).
Protein change: p.Ter2415ThrextTer?.
Molecular consequence: frameshift variant, stop lost.
Genome position (GRCh38, 1-based): chr22:41,178,952-41,178,953, AC duplicated; duplicating any 2 consecutive bases within chr22:41,178,950-41,178,953 gives the same sequence; the c. name uses the placement nearest the transcript's 3' end. VCF-style (leftmost placement, unchanged base first): chr22-41178949-T-TAC. GRCh37 (hg19) VCF-style: chr22-41574953-T-TAC.
Other names: c.7163_7164dup, p.Ter2389ThrextTer? (NM_001362843.2).
Identifiers: ClinVar variation 1445831 (VCV001445831.6), dbSNP rs1329239009, ClinGen allele CA639825977.